The following is an entry in ClinVar:

ClinVar aggregate classification (germline): Likely benign. Review status: criteria provided, single submitter (1 of 4 stars). 2 submissions from 2 submitters: Likely benign (1). 1 of the submissions does not count toward it. Last evaluated 2018-12-05.

Conditions:
KRT3-related disorder. Also called: KRT3-related condition.

Allele frequency attached by ClinVar (database versions not stated): ESP Exome Variant Server 0.00008; TOPMed 0.00011; gnomAD 0.00013 and 0.00016; 1000 Genomes Project 30x 0.00016; 1000 Genomes Project 0.00020; gnomAD exomes 0.00026 and 0.00035; ExAC 0.00033.
gnomAD v4.1: 412 of 1,614,178 alleles (0.026%); highest among the groups gnomAD compares: South Asian, 0.25%; 3 homozygotes.

Submissions (2):

Labcorp Genetics (formerly Invitae), Labcorp
Classification: Likely benign. Last evaluated: 2018-12-05. Review status: criteria provided, single submitter. Criteria: Invitae Variant Classification Sherloc (09022015). Collection method: clinical testing. Allele origin: germline.

PreventionGenetics, part of Exact Sciences
Classification: Likely benign for KRT3-related condition. Last evaluated: 2020-07-13. Review status: no assertion criteria provided. Collection method: clinical testing. Allele origin: germline. Not counted in ClinVar's aggregate classification.
Comment: This variant is classified as likely benign based on ACMG/AMP sequence variant interpretation guidelines (Richards et al. 2015 PMID: 25741868, with internal and published modifications).

NM_057088.3(KRT3):c.1342G>A (p.Glu448Lys)

Genes: KRT3 (keratin 3; minus strand), LOC126861527 (BRD4-independent group 4 enhancer GRCh37_chr12:53184490-53185689; plus strand). Cytogenetic location: 12q13.13.
Variant type: single nucleotide variant.
Coding change: c.1342G>A on transcript NM_057088.3 (MANE Select); coding-DNA position 1342, G replaced by A.
Protein change: p.Glu448Lys; replaces glutamic acid 448 with lysine.
Molecular consequence: missense variant.
Genome position (GRCh38, 1-based): chr12:52,791,399, C>T on the plus strand (G>A on the coding strand, the complement: KRT3 is on the minus strand). VCF-style: chr12-52791399-C-T. GRCh37 (hg19) VCF-style: chr12-53185183-C-T.
Other names: short protein forms E448K.
Identifiers: ClinVar variation 734361 (VCV000734361.5), dbSNP rs371219499, ClinGen allele CA6587934.